The following is an entry in ClinVar:

NM_001231.5(CASQ1):c.745G>A (p.Glu249Lys)

Gene: CASQ1 (calsequestrin 1; plus strand). Cytogenetic location: 1q23.2.
Variant type: single nucleotide variant.
Coding change: c.745G>A on transcript NM_001231.5 (MANE Select); coding-DNA position 745, G replaced by A.
Protein change: p.Glu249Lys; replaces glutamic acid 249 with lysine.
Molecular consequence: missense variant.
Genome position (GRCh38, 1-based): chr1:160,195,990, G>A. VCF-style: chr1-160195990-G-A. GRCh37 (hg19) VCF-style: chr1-160165780-G-A.
Other names: short protein forms E249K.
Identifiers: ClinVar variation 1347353 (VCV001347353.10), dbSNP rs569001377, ClinGen allele CA1196313.

ClinVar aggregate classification (germline): Uncertain significance. Review status: criteria provided, multiple submitters, no conflicts (2 of 4 stars). 2 submissions from 2 submitters: Uncertain significance (2). Last evaluated 2025-10-09.

Conditions:
Inborn genetic diseases. Identifiers: MedGen C0950123, MeSH D030342.

Allele frequency attached by ClinVar (database versions not stated): gnomAD exomes 0.00002 and 0.00003; ExAC 0.00004; TOPMed 0.00004; gnomAD 0.00007 and 0.00009.
gnomAD v4.1: 58 of 1,614,046 alleles (0.0036%); highest among the groups gnomAD compares: African/African-American, 0.029%; 1 homozygote.

Submissions (2):

Labcorp Genetics (formerly Invitae), Labcorp
Classification: Uncertain significance. Last evaluated: 2025-10-09. Review status: criteria provided, single submitter. Criteria: Invitae Variant Classification Sherloc (09022015). Collection method: clinical testing. Allele origin: germline.
Comment: This sequence change replaces glutamic acid, which is acidic and polar, with lysine, which is basic and polar, at codon 249 of the CASQ1 protein (p.Glu249Lys). This variant is present in population databases (rs569001377, gnomAD 0.02%). This variant has not been reported in the literature in individuals affected with CASQ1-related conditions. ClinVar contains an entry for this variant (Variation ID: 1347353). Invitae Evidence Modeling of protein sequence and biophysical properties (such as structural, functional, and spatial information, amino acid conservation, physicochemical variation, residue mobility, and thermodynamic stability) indicates that this missense variant is not expected to disrupt CASQ1 protein function with a negative predictive value of 80%. In summary, the available evidence is currently insufficient to determine the role of this variant in disease. Therefore, it has been classified as a Variant of Uncertain Significance.

Ambry Genetics
Classification: Uncertain significance for Inborn genetic diseases. Last evaluated: 2022-08-16. Review status: criteria provided, single submitter. Criteria: Ambry Variant Classification Scheme 2023. Collection method: clinical testing. Allele origin: germline.
Comment: The p.E249K variant (also known as c.745G>A), located in coding exon 6 of the CASQ1 gene, results from a G to A substitution at nucleotide position 745. The glutamic acid at codon 249 is replaced by lysine, an amino acid with similar properties. This amino acid position is conserved. In addition, this alteration is predicted to be tolerated by in silico analysis. Since supporting evidence is limited at this time, the clinical significance of this alteration remains unclear.